The following is an entry in ClinVar:

ClinVar aggregate classification (germline): Uncertain significance (1 of 4 stars; one submission).

Conditions:
Hereditary cancer-predisposing syndrome. Also called: Hereditary Cancer Syndrome; Hereditary neoplastic syndrome; Neoplastic Syndromes, Hereditary; Tumor predisposition. Identifiers: Orphanet 140162, MedGen C0027672, MeSH D009386, MONDO:0015356.

Submission:

Ambry Genetics
Classification: Uncertain significance for Hereditary cancer-predisposing syndrome. Last evaluated: 2021-02-25. Review status: criteria provided, single submitter. Criteria: Ambry Variant Classification Scheme 2023. Collection method: clinical testing. Allele origin: germline.
Comment: The p.R466S variant (also known as c.1398G>T) is located in coding exon 11 of the NBN gene. The arginine at codon 466 is replaced by serine, an amino acid with dissimilar properties. This change occurs in the first base pair of coding exon 11. This amino acid position is highly conserved in available vertebrate species. In addition, the in silico prediction for this alteration is inconclusive. Since supporting evidence is limited at this time, the clinical significance of this alteration remains unclear.

NM_002485.5(NBN):c.1398G>T (p.Arg466Ser)

Gene: NBN (nibrin; minus strand). Cytogenetic location: 8q21.3.
Variant type: single nucleotide variant.
Coding change: c.1398G>T on transcript NM_002485.5 (MANE Select); coding-DNA position 1398, G replaced by T.
Protein change: p.Arg466Ser; replaces arginine 466 with serine.
Molecular consequence: missense variant.
Genome position (GRCh38, 1-based): chr8:89,953,691, C>A on the plus strand (G>T on the coding strand, the complement: NBN is on the minus strand). VCF-style: chr8-89953691-C-A. GRCh37 (hg19) VCF-style: chr8-90965919-C-A.
Other names: c.1152G>T, p.Arg384Ser (NM_001024688.3); short protein forms R384S, R466S.
Identifiers: ClinVar variation 1771679 (VCV001771679.2), dbSNP rs2488234603, ClinGen allele CA371655934.